The following is an entry in ClinVar:

ClinVar aggregate classification (germline): Uncertain significance (1 of 4 stars; one submission).

Submission:

Ambry Genetics
Classification: Uncertain significance. Last evaluated: 2023-08-04. Review status: criteria provided, single submitter. Criteria: Ambry Variant Classification Scheme 2023. Collection method: clinical testing. Allele origin: germline.
Comment: The p.L15F variant (also known as c.45A>T), located in coding exon 1 of the ALPK2 gene, results from an A to T substitution at nucleotide position 45. The leucine at codon 15 is replaced by phenylalanine, an amino acid with highly similar properties. This amino acid position is conserved. In addition, this alteration is predicted to be tolerated by in silico analysis. Since supporting evidence is limited at this time, the clinical significance of this alteration remains unclear.

NM_052947.4(ALPK2):c.45A>T (p.Leu15Phe)

Gene: ALPK2 (alpha kinase 2; minus strand). Cytogenetic location: 18q21.32.
Variant type: single nucleotide variant.
Coding change: c.45A>T on transcript NM_052947.4 (MANE Select); coding-DNA position 45, A replaced by T.
Protein change: p.Leu15Phe; replaces leucine 15 with phenylalanine.
Molecular consequence: missense variant.
Genome position (GRCh38, 1-based): chr18:58,611,753, T>A on the plus strand (A>T on the coding strand, the complement: ALPK2 is on the minus strand). VCF-style: chr18-58611753-T-A. GRCh37 (hg19) VCF-style: chr18-56278985-T-A.
Other names: short protein forms L15F.
Identifiers: ClinVar variation 2626023 (VCV002626023.2), dbSNP rs762946131, ClinGen allele CA402558094.
Genomic context (GRCh38, chr18:58,611,753, plus strand): 5'-TATTATGCAGCGAAGCACAGCGTCTGACTTCTCAGGAACCTTCTGGGAAAGCAATGTAGA[T>A]AAAAAACACAGCGGGGGCCTCTGGGGCCCTTCGGAGTCTTTCATCCTTTCATGCCGCACC-3'
Protein context (NP_443179.3, residues 5-25): EGPQRPPLCF[Leu15Phe]STLLSQKVPE